The following is an entry in ClinVar:

ClinVar aggregate classification (germline): Likely benign. Review status: criteria provided, multiple submitters, no conflicts (2 of 4 stars). 2 submissions from 2 submitters: Likely benign (2). Last evaluated 2025-08-21.

Conditions:
Pheochromocytoma/paraganglioma syndrome 5. Also called: Paragangliomas 5; SDHA-Related Hereditary Paraganglioma-Pheochromocytoma Syndrome. Identifiers: Orphanet 29072, MedGen C3279992, MONDO:0013602, OMIM 614165.
Mitochondrial complex II deficiency, nuclear type 1. Also called: SUCCINATE CoQ REDUCTASE DEFICIENCY. Identifiers: Orphanet 3208, MedGen C5700310, MONDO:0100294, OMIM 252011.

gnomAD v4.1: 1 of 1,563,208 alleles (0.000064%); no homozygotes.

Submissions (2):

Labcorp Genetics (formerly Invitae), Labcorp
Classification: Likely benign for Pheochromocytoma/paraganglioma syndrome 5; Mitochondrial complex II deficiency, nuclear type 1. Last evaluated: 2025-08-21. Review status: criteria provided, single submitter. Criteria: Invitae Variant Classification Sherloc (09022015). Collection method: clinical testing. Allele origin: germline.

Myriad Genetics, Inc.
Classification: Likely benign for Pheochromocytoma/paraganglioma syndrome 5. Last evaluated: 2025-03-10. Review status: criteria provided, single submitter. Criteria: Myriad Autosomal Dominant, Autosomal Recessive and X-Linked Classification Criteria (2023). Collection method: clinical testing. Allele origin: unknown.
Comment: This variant is considered likely benign. This variant is intronic and is not expected to impact mRNA splicing.

NM_004168.4(SDHA):c.1551+7G>A

Gene: SDHA (succinate dehydrogenase complex flavoprotein subunit A; plus strand). Cytogenetic location: 5p15.33.
Variant type: single nucleotide variant.
Coding change: c.1551+7G>A on transcript NM_004168.4 (MANE Select); 7 bases into the intron after coding-DNA position 1551, G replaced by A.
Molecular consequence: intron variant.
Genome position (GRCh38, 1-based): chr5:240,483, G>A. VCF-style: chr5-240483-G-A. GRCh37 (hg19) VCF-style: chr5-240598-G-A.
Other names: c.1551+7G>A (NM_001330758.2); c.1407+7G>A (NM_001294332.2).
Identifiers: ClinVar variation 756211 (VCV000756211.12), dbSNP rs760796714, ClinGen allele CA915943271.